The following is an entry in ClinVar:

NM_178452.6(DNAAF1):c.1069G>A (p.Ala357Thr)

Gene: DNAAF1 (dynein axonemal assembly factor 1; plus strand). Cytogenetic location: 16q24.1.
Variant type: single nucleotide variant.
Coding change: c.1069G>A on transcript NM_178452.6 (MANE Select); coding-DNA position 1069, G replaced by A.
Protein change: p.Ala357Thr; replaces alanine 357 with threonine.
Molecular consequence: missense variant.
Genome position (GRCh38, 1-based): chr16:84,169,897, G>A. VCF-style: chr16-84169897-G-A. GRCh37 (hg19) VCF-style: chr16-84203503-G-A.
Other names: c.361G>A, p.Ala121Thr (NM_001318756.1); short protein forms A357T, A121T.
Identifiers: ClinVar variation 283147 (VCV000283147.6), dbSNP rs539175862, ClinGen allele CA8202758.

ClinVar aggregate classification (germline): Uncertain significance. Review status: criteria provided, multiple submitters, no conflicts (2 of 4 stars). 2 submissions from 2 submitters: Uncertain significance (2). Last evaluated 2017-06-30.

Allele frequency attached by ClinVar (database versions not stated): gnomAD below 0.00001 and 0.00002; TOPMed 0.00002; ExAC 0.00004; gnomAD exomes 0.00005 and 0.00006; 1000 Genomes Project 0.00020; 1000 Genomes Project 30x 0.00031.

Submissions (2):

GeneDx
Classification: Uncertain significance. Last evaluated: 2017-06-30. Review status: criteria provided, single submitter. Criteria: GeneDx Variant Classification (06012015). Collection method: clinical testing. Allele origin: germline. Affected: yes.
Comment: The A357T variant in the DNAAF1 gene has not been reported previously as a pathogenic variant, nor as a benign variant, to our knowledge. The A357T variant is observed in 5/16512 (0.03%) alleles from individuals of South Asian background, in the ExAC dataset (Lek et al., 2016). The A357T variant is a non-conservative amino acid substitution, which is likely to impact secondary protein structure as these residues differ in polarity, charge, size and/or other properties. This substitution occurs at a position that is not conserved. In silico analysis predicts this variant likely does not alter the protein structure/function. We interpret A357T as a variant of uncertain significance.

Eurofins Ntd Llc (ga)
Classification: Uncertain significance. Last evaluated: 2015-09-18. Review status: criteria provided, single submitter. Criteria: EGL Classification Definitions 2015. Collection method: clinical testing. Allele origin: germline. Observed: 1 variant allele, 1 heterozygote.